The following is an entry in ClinVar:

ClinVar aggregate classification (germline): Pathogenic (1 of 4 stars; one submission).

Conditions:
Ornithine aminotransferase deficiency (GACR). Also called: Ornithine ketoacid aminotransferase deficiency; Gyrate atrophy; HYPERORNITHINEMIA WITH GYRATE ATROPHY OF CHOROID AND RETINA; OAT DEFICIENCY; OKT DEFICIENCY; Gyrate atrophy of choroid and retina. Identifiers: Orphanet 414, MedGen C0018425, MONDO:0009796, OMIM 258870.

Submission:

Myriad Genetics, Inc.
Classification: Pathogenic for Ornithine aminotransferase deficiency. Last evaluated: 2024-05-14. Review status: criteria provided, single submitter. Criteria: Myriad Autosomal Dominant, Autosomal Recessive and X-Linked Classification Criteria (2023). Collection method: clinical testing. Allele origin: unknown.
Comment: NM_000274.3(OAT):c.962_964del3ins14(S321Cfs*12) is expected to be pathogenic in the context of ornithine aminotransferase deficiency. This variant is predicted to lead to an abnormal or absent protein product due to the creation of a premature termination codon in OAT, a gene where loss-of-function variants are known to be pathogenic. Please note: this variant was assessed in the context of healthy population screening.

NM_000274.4(OAT):c.962_964delinsGTATAAGAGACAGT (p.Ser321fs)

Gene: OAT (ornithine aminotransferase; minus strand). Cytogenetic location: 10q26.13.
Variant type: Indel.
Coding change: c.962_964delinsGTATAAGAGACAGT on transcript NM_000274.4 (MANE Select); coding-DNA positions 962 to 964, CCA replaced by GTATAAGAGACAGT.
Protein change: p.Ser321fs; shifts the reading frame from serine 321.
Molecular consequence: frameshift variant.
Genome position (GRCh38, 1-based): chr10:124,401,776-124,401,778, TGG replaced by ACTGTCTCTTATAC on the plus strand (CCA replaced by GTATAAGAGACAGT on the coding strand, the reverse complement: OAT is on the minus strand). VCF-style: chr10-124401776-TGG-ACTGTCTCTTATAC. GRCh37 (hg19) VCF-style: chr10-126090345-TGG-ACTGTCTCTTATAC.
Other names: c.548_550delinsGTATAAGAGACAGT, p.Ser183fs (NM_001171814.2); c.962_964delinsGTATAAGAGACAGT, p.Ser321fs (NM_001322965.2, NM_001322966.2, NM_001322967.2 and 3 more transcripts); c.641_643delinsGTATAAGAGACAGT, p.Ser214fs (NM_001322971.2); c.362_364delinsGTATAAGAGACAGT, p.Ser121fs (NM_001322974.2); short protein forms S121fs, S183fs, S214fs, S321fs.
Identifiers: ClinVar variation 5015753 (VCV005015753.1).